The following is an entry in ClinVar:

NM_023036.6(DNAI2):c.124G>A (p.Val42Met)

Gene: DNAI2 (dynein axonemal intermediate chain 2; plus strand). Cytogenetic location: 17q25.1.
Variant type: single nucleotide variant.
Coding change: c.124G>A on transcript NM_023036.6 (MANE Select); coding-DNA position 124, G replaced by A.
Protein change: p.Val42Met; replaces valine 42 with methionine.
Molecular consequence: missense variant. On other transcripts: non-coding transcript variant (1).
Genome position (GRCh38, 1-based): chr17:74,281,941, G>A. VCF-style: chr17-74281941-G-A. GRCh37 (hg19) VCF-style: chr17-72278080-G-A.
Other names: p.Val42Met; c.124G>A, p.Val42Met (NM_001172810.3, NM_001353167.2); short protein forms V42M.
Identifiers: ClinVar variation 241446 (VCV000241446.23), dbSNP rs151176313, ClinGen allele CA8745252.

ClinVar aggregate classification (germline): Benign/Likely benign. Review status: criteria provided, multiple submitters, no conflicts (2 of 4 stars). 8 submissions from 8 submitters: Benign (4); Likely benign (3). 1 of the submissions does not count toward it. Last evaluated 2026-01-31.

Conditions:
Primary ciliary dyskinesia. Also called: Ciliary dyskinesia. Identifiers: Orphanet 244, MedGen C0008780, MONDO:0016575, HP:0012265.
Primary ciliary dyskinesia 9. Also called: CILIARY DYSKINESIA, PRIMARY, 9, WITH OR WITHOUT SITUS INVERSUS. Identifiers: Orphanet 244, MedGen C2676235, MONDO:0012906, OMIM 612444.

Allele frequency attached by ClinVar (database versions not stated): gnomAD exomes 0.00062 and 0.00165; ExAC 0.00202; ESP Exome Variant Server 0.00361; gnomAD 0.00370 and 0.00389; 1000 Genomes Project 30x 0.00406; TOPMed 0.00431; 1000 Genomes Project 0.00459.
gnomAD v4.1: 1,531 of 1,614,168 alleles (0.095%); highest among the groups gnomAD compares: African/African-American, 1.2%; 10 homozygotes.

Submissions (8):

Labcorp Genetics (formerly Invitae), Labcorp
Classification: Benign for Primary ciliary dyskinesia. Last evaluated: 2026-01-31. Review status: criteria provided, single submitter. Criteria: Invitae Variant Classification Sherloc (09022015). Collection method: clinical testing. Allele origin: germline.

ARUP Laboratories, Molecular Genetics and Genomics, ARUP Laboratories
Classification: Likely benign for Primary ciliary dyskinesia 9. Last evaluated: 2025-02-06. Review status: criteria provided, single submitter. Criteria: ARUP Molecular Germline Variant Investigation Process 2024. Collection method: clinical testing. Allele origin: germline.

Mayo Clinic Laboratories, Mayo Clinic
Classification: Benign. Last evaluated: 2024-10-17. Review status: criteria provided, single submitter. Criteria: ACMG Guidelines, 2015. Collection method: clinical testing. Allele origin: germline. Observed: 1 variant allele.
Comment: BS1, BS2

Illumina Laboratory Services, Illumina
Classification: Likely benign for Primary ciliary dyskinesia 9. Last evaluated: 2018-01-13. Review status: criteria provided, single submitter. Criteria: ICSL Variant Classification Criteria 13 December 2019. Collection method: clinical testing. Allele origin: germline.
Comment: This variant was observed in the ICSL laboratory as part of a predisposition screen in an ostensibly healthy population. It had not been previously curated by ICSL or reported in the Human Gene Mutation Database (HGMD: prior to June 1st, 2018), and was therefore a candidate for classification through an automated scoring system. Utilizing variant allele frequency, disease prevalence and penetrance estimates, and inheritance mode, an automated score was calculated to assess if this variant is too frequent to cause the disease. Based on the score and internal cut-off values, a variant classified as likely benign is not then subjected to further curation. The score for this variant resulted in a classification of likely benign for this disease.

Ambry Genetics
Classification: Benign for Primary ciliary dyskinesia. Last evaluated: 2014-09-23. Review status: criteria provided, single submitter. Criteria: Ambry Variant Classification Scheme 2023. Collection method: clinical testing. Allele origin: germline.

Breakthrough Genomics
Classification: Likely benign. Review status: criteria provided, single submitter. Criteria: ACMG Guidelines, 2015. Collection method: not provided. Allele origin: germline. Inheritance: Autosomal recessive inheritance. Affected: yes.

PreventionGenetics, part of Exact Sciences
Classification: Benign. Review status: criteria provided, single submitter. Criteria: ACMG Guidelines, 2015. Collection method: clinical testing. Allele origin: germline.

Natera, Inc.
Classification: Benign for Primary ciliary dyskinesia. Last evaluated: 2020-09-16. Review status: no assertion criteria provided. Collection method: clinical testing. Allele origin: germline. Not counted in ClinVar's aggregate classification.